The following is an entry in ClinVar:

NM_003482.4(KMT2D):c.11223_11237del (p.Gln3741_Gln3745del)

Gene: KMT2D (lysine methyltransferase 2D; minus strand). Cytogenetic location: 12q13.12.
Variant type: Deletion.
Coding change: c.11223_11237del on transcript NM_003482.4 (MANE Select); coding-DNA positions 11223 to 11237, 15 bases deleted (ACAGCAGCAGCAGCA).
Protein change: p.Gln3741_Gln3745del.
Molecular consequence: inframe deletion.
Genome position (GRCh38, 1-based): chr12:49,033,468-49,033,482, TGCTGCTGCTGCTGT deleted on the plus strand (ACAGCAGCAGCAGCA on the coding strand, the reverse complement: KMT2D is on the minus strand); deleting any 15 consecutive bases within chr12:49,033,468-49,033,496 gives the same sequence; the c. name uses the placement nearest the transcript's 3' end. VCF-style (leftmost placement, unchanged base first): chr12-49033467-GTGCTGCTGCTGCTGT-G. GRCh37 (hg19) VCF-style: chr12-49427250-GTGCTGCTGCTGCTGT-G.
Identifiers: ClinVar variation 1905295 (VCV001905295.6), dbSNP rs1312656236, ClinGen allele CA605233629.
Genomic context (GRCh38, chr12:49,033,467, plus strand): 5'-GTTTGTCTGTACTCCAGGACCCTGCTGCTGTTGCTGCTGGATTGCCACCTGTCCTAGAAG[GTGCTGCTGCTGCTGT>G]TGCTGCTGCTGCTGCTGCTGCAGTTTCTGGGCCAGCTGCATACGTTGCTGCTGCAGCTGC-3'

ClinVar aggregate classification (germline): Uncertain significance. Review status: criteria provided, multiple submitters, no conflicts (2 of 4 stars). 2 submissions from 2 submitters: Uncertain significance (2). Last evaluated 2024-03-20.

Conditions:
Kabuki syndrome. Also called: NIIKAWA-KUROKI SYNDROME; Kabuki make-up syndrome. Identifiers: Orphanet 2322, MedGen C0796004, MONDO:0016512.
Choanal atresia-athelia-hypothyroidism-delayed puberty-short stature syndrome (BCAHH). Also called: BRANCHIAL ARCH ABNORMALITIES, CHOANAL ATRESIA, ATHELIA, HEARING LOSS, AND HYPOTHYROIDISM SYNDROME. Identifiers: Orphanet 589856, MedGen C5680310, MONDO:0035651, OMIM 620186.
Kabuki syndrome 1 (KABUK1). Also called: KMT2D-Related Kabuki Syndrome. Identifiers: Orphanet 2322, MedGen CN030661, MONDO:0007843, OMIM 147920.

Submissions (2):

Fulgent Genetics
Classification: Uncertain significance for Kabuki syndrome 1; Choanal atresia-athelia-hypothyroidism-delayed puberty-short stature syndrome. Last evaluated: 2024-03-20. Review status: criteria provided, single submitter. Criteria: ACMG Guidelines, 2015. Collection method: clinical testing. Allele origin: germline.

Labcorp Genetics (formerly Invitae), Labcorp
Classification: Uncertain significance for Kabuki syndrome. Last evaluated: 2022-08-24. Review status: criteria provided, single submitter. Criteria: Invitae Variant Classification Sherloc (09022015). Collection method: clinical testing. Allele origin: germline.
Comment: This variant, c.11223_11237del, results in the deletion of 5 amino acid(s) of the KMT2D protein (p.Gln3741_Gln3745del), but otherwise preserves the integrity of the reading frame. The frequency data for this variant in the population databases is considered unreliable, as metrics indicate poor data quality at this position in the gnomAD database. This variant has not been reported in the literature in individuals affected with KMT2D-related conditions. Experimental studies and prediction algorithms are not available or were not evaluated, and the functional significance of this variant is currently unknown. In summary, the available evidence is currently insufficient to determine the role of this variant in disease. Therefore, it has been classified as a Variant of Uncertain Significance.